The following is an entry in ClinVar:

ClinVar aggregate classification (germline): Uncertain significance (1 of 4 stars; one submission).

Conditions:
Primary ciliary dyskinesia 23 (CILD23). Also called: CILIARY DYSKINESIA, PRIMARY, 23, WITH OR WITHOUT SITUS INVERSUS. Identifiers: Orphanet 244, MedGen C3809548, MONDO:0014193, OMIM 615451.

Allele frequency attached by ClinVar (database versions not stated): gnomAD exomes below 0.00001; TOPMed below 0.00001.
gnomAD v4.1: 2 of 1,509,348 alleles (0.00013%); highest among the groups gnomAD compares: Middle Eastern, 0.018%; no homozygotes.

Submission:

Labcorp Genetics (formerly Invitae), Labcorp
Classification: Uncertain significance for Primary ciliary dyskinesia 23. Last evaluated: 2021-12-24. Review status: criteria provided, single submitter. Criteria: Invitae Variant Classification Sherloc (09022015). Collection method: clinical testing. Allele origin: germline.
Comment: This variant has not been reported in the literature in individuals affected with ARMC4-related conditions. Algorithms developed to predict the effect of missense changes on protein structure and function output the following: SIFT: "Tolerated"; PolyPhen-2: "Benign"; Align-GVGD: "Class C0". The isoleucine amino acid residue is found in multiple mammalian species, which suggests that this missense change does not adversely affect protein function. In summary, the available evidence is currently insufficient to determine the role of this variant in disease. Therefore, it has been classified as a Variant of Uncertain Significance. This variant is not present in population databases (gnomAD no frequency). This sequence change replaces methionine, which is neutral and non-polar, with isoleucine, which is neutral and non-polar, at codon 309 of the ARMC4 protein (p.Met309Ile).

NM_018076.5(ODAD2):c.927G>T (p.Met309Ile)

Gene: ODAD2 (outer dynein arm docking complex subunit 2; minus strand). Cytogenetic location: 10p12.1.
Variant type: single nucleotide variant.
Coding change: c.927G>T on transcript NM_018076.5 (MANE Select); coding-DNA position 927, G replaced by T.
Protein change: p.Met309Ile; replaces methionine 309 with isoleucine.
Molecular consequence: missense variant. On other transcripts: 5 prime UTR variant (1), initiator codon variant (1).
Genome position (GRCh38, 1-based): chr10:27,981,475, C>A on the plus strand (G>T on the coding strand, the complement: ODAD2 is on the minus strand). VCF-style: chr10-27981475-C-A. GRCh37 (hg19) VCF-style: chr10-28270404-C-A.
Other names: c.927G>T, p.Met309Ile (NM_001290020.2); c.-197G>T (NM_001290021.2); c.3G>T, p.Met1Ile (NM_001312689.2); short protein forms M1I, M309I.
Identifiers: ClinVar variation 2171789 (VCV002171789.5), dbSNP rs1849540775, ClinGen allele CA376395156.